The following is an entry in ClinVar:

NM_000138.5(FBN1):c.6740A>G (p.Asp2247Gly)

Gene: FBN1 (fibrillin 1; minus strand). Cytogenetic location: 15q21.1.
Variant type: single nucleotide variant.
Coding change: c.6740A>G on transcript NM_000138.5 (MANE Select); coding-DNA position 6740, A replaced by G.
Protein change: p.Asp2247Gly; replaces aspartic acid 2247 with glycine.
Molecular consequence: missense variant.
Genome position (GRCh38, 1-based): chr15:48,430,802, T>C on the plus strand (A>G on the coding strand, the complement: FBN1 is on the minus strand). VCF-style: chr15-48430802-T-C. GRCh37 (hg19) VCF-style: chr15-48722999-T-C.
Other names: short protein forms D2247G.
Identifiers: ClinVar variation 406283 (VCV000406283.64), dbSNP rs1060501032, ClinGen allele CA16614794.
Genomic context (GRCh38, chr15:48,430,802, plus strand): 5'-TTCTTGCATTCCATTTGTTTTTCAGTACAGTCATGTTTTCCCTCTTCACACTCATCCTCA[T>C]CTGTAAAAAATGTACAATCACAAATTTGTCAAAGAAAATGCATATATCTGCCTTAATTAC-3'
Protein context (NP_000129.3, residues 2237-2257): VLREDRRMCK[Asp2247Gly]EDECEEGKHD

ClinVar aggregate classification (germline): Conflicting classifications of pathogenicity. Review status: criteria provided, conflicting classifications (1 of 4 stars). 5 submissions from 5 submitters: Pathogenic (2); Likely pathogenic (1); Uncertain significance (1). 1 of the submissions does not count toward it. Last evaluated 2023-04-07.

Conditions:
Familial thoracic aortic aneurysm and aortic dissection (TAAD). Also called: Thoracic aortic aneurysms and dissections. Identifiers: Orphanet 91387, MedGen C4707243, MONDO:0019625.
Marfan syndrome (MFS). Also called: Marfan syndrome type 1; Marfan's syndrome; FBN1-Related Marfan Syndrome; MARFAN SYNDROME, TYPE I; Marfan syndrome, classic. Identifiers: Orphanet 284963, Orphanet 558, MedGen C0024796, MONDO:0007947, OMIM 154700.

Submissions (5):

Labcorp Genetics (formerly Invitae), Labcorp
Classification: Pathogenic for Marfan syndrome; Familial thoracic aortic aneurysm and aortic dissection. Last evaluated: 2023-04-07. Review status: criteria provided, single submitter. Criteria: Invitae Variant Classification Sherloc (09022015). Collection method: clinical testing. Allele origin: germline.
Comment: This variant is not present in population databases (gnomAD no frequency). For these reasons, this variant has been classified as Pathogenic. An algorithm developed to predict the effect of missense changes on protein structure and function (PolyPhen-2) suggests that this variant is likely to be disruptive. ClinVar contains an entry for this variant (Variation ID: 406283). This missense change has been observed in individual(s) with clinical features of Marfan syndrome (PMID: 19293843, 21542060; Invitae). It has also been observed to segregate with disease in related individuals. This sequence change replaces aspartic acid, which is acidic and polar, with glycine, which is neutral and non-polar, at codon 2247 of the FBN1 protein (p.Asp2247Gly).

Centre of Medical Genetics, University of Antwerp
Classification: Likely pathogenic for Marfan syndrome. Last evaluated: 2021-03-01. Review status: criteria provided, single submitter. Criteria: Submitter's publication. Collection method: research. Allele origin: unknown. Affected: yes.
Comment: PM2, PS6, PP4

Women's Health and Genetics/Laboratory Corporation of America, LabCorp
Classification: Uncertain significance. Last evaluated: 2019-09-30. Review status: criteria provided, single submitter. Criteria: LabCorp Variant Classification Summary - May 2015. Collection method: clinical testing. Allele origin: germline.
Comment: Variant summary: FBN1 c.6740A>G (p.Asp2247Gly) results in a non-conservative amino acid change located in the EGF-like domain of the encoded protein sequence. The variant is located at the first 5' nucleotide position of exon 56, therefore, could affect splicing. Five of five in-silico tools predict a damaging effect of the variant on protein function. 5/5 computational tools predict no significant impact on normal splicing. However, these predictions have yet to be confirmed by functional studies. The variant was absent in 250566 control chromosomes (gnomAD). The available data on variant occurrences in the general population are insufficient to allow any conclusion about variant significance. c.6740A>G has been reported in the literature in individuals affected with classic Marfan Syndrome (Baetens_2011, Stheneur_2009). However, limited available information is provided (ie, lack of co-occurrence and cosegregation data). These reports do not provide unequivocal conclusions about association of the variant with Marfan Syndrome. To our knowledge, no experimental evidence demonstrating an impact on protein function has been reported. Two ClinVar submissions (evaluation after 2014) cite the variant as uncertain significance. In addition, other missense variants effecting the same codon, D2247Y and D2247V, along with nearby codons, C2245G, C2245S, C2245Y, D2249G, have been reported in association with MFS via HGMD. Therefore, suggesting the region may be important for FBN1 protein function. Based on the evidence outlined above, the variant was classified as uncertain significance.

CeGaT Center for Human Genetics Tuebingen
Classification: Pathogenic. Last evaluated: 2019-01-01. Review status: criteria provided, single submitter. Criteria: CeGaT Center For Human Genetics Tuebingen Variant Classification Criteria Version 2. Collection method: clinical testing. Allele origin: germline. Affected: yes. Observed: 1 variant allele.

Center for Medical Genetics Ghent, University of Ghent
Classification: Uncertain significance for Marfan syndrome. Last evaluated: 2017-11-07. Review status: no assertion criteria provided. Collection method: clinical testing. Allele origin: germline. Affected: yes. Not counted in ClinVar's aggregate classification.

Literature cited by the submitters: PubMed 19293843 (cited by Labcorp Genetics (formerly Invitae), Labcorp and Women's Health and Genetics/Laboratory Corporation of America, LabCorp); PubMed 21542060 (cited by Labcorp Genetics (formerly Invitae), Labcorp and Women's Health and Genetics/Laboratory Corporation of America, LabCorp); PubMed 25907466 (cited by Women's Health and Genetics/Laboratory Corporation of America, LabCorp).